The following is an entry in ClinVar:

NM_170743.4(IFNLR1):c.-8G>A

Genes: IFNLR1 (interferon lambda receptor 1; minus strand), LOC129929698 (ATAC-STARR-seq lymphoblastoid silent region 431; plus strand). Cytogenetic location: 1p36.11.
Variant type: single nucleotide variant.
Coding change: c.-8G>A on transcript NM_170743.4 (MANE Select); 8 bases upstream of the start codon, G replaced by A.
Molecular consequence: 5 prime UTR variant.
Genome position (GRCh38, 1-based): chr1:24,187,256, C>T on the plus strand (G>A on the coding strand, the complement: IFNLR1 is on the minus strand). VCF-style: chr1-24187256-C-T. GRCh37 (hg19) VCF-style: chr1-24513746-C-T.
Other names: c.-8G>A (NM_173064.3, NM_173065.3).
Identifiers: ClinVar variation 3047149 (VCV003047149.2), dbSNP rs763613375, ClinGen allele CA689739.

ClinVar aggregate classification (germline): Likely benign (0 of 4 stars; one submission).

Conditions:
IFNLR1-related disorder. Also called: IFNLR1-related condition.

Allele frequency attached by ClinVar (database versions not stated): gnomAD 0.00011; TOPMed 0.00014; gnomAD exomes 0.00024.

Submission:

PreventionGenetics, part of Exact Sciences
Classification: Likely benign for IFNLR1-related condition. Last evaluated: 2020-10-28. Review status: no assertion criteria provided. Collection method: clinical testing. Allele origin: germline.
Comment: This variant is classified as likely benign based on ACMG/AMP sequence variant interpretation guidelines (Richards et al. 2015 PMID: 25741868, with internal and published modifications).